The following is an entry in ClinVar:

ClinVar aggregate classification (germline): Uncertain significance (1 of 4 stars; one submission).

Conditions:
Inborn genetic diseases. Identifiers: MedGen C0950123, MeSH D030342.

Submission:

Ambry Genetics
Classification: Uncertain significance for Inborn genetic diseases. Last evaluated: 2024-10-21. Review status: criteria provided, single submitter. Criteria: Ambry Variant Classification Scheme 2023. Collection method: clinical testing. Allele origin: germline.
Comment: The p.P323T variant (also known as c.967C>A) is located in coding exon 8 of the BUB1B gene. The proline at codon 323 is replaced by threonine, an amino acid with highly similar properties. This change occurs in the first base pair of coding exon 8. This amino acid position is conserved. In addition, this alteration is predicted to be tolerated by in silico analysis. Based on the available evidence, the clinical significance of this variant remains unclear.

NM_001211.6(BUB1B):c.967C>A (p.Pro323Thr)

Gene: BUB1B (BUB1 mitotic checkpoint serine/threonine kinase B; plus strand). Cytogenetic location: 15q15.1.
Variant type: single nucleotide variant.
Coding change: c.967C>A on transcript NM_001211.6 (MANE Select); coding-DNA position 967, C replaced by A.
Protein change: p.Pro323Thr; replaces proline 323 with threonine.
Molecular consequence: missense variant.
Genome position (GRCh38, 1-based): chr15:40,185,551, C>A. VCF-style: chr15-40185551-C-A. GRCh37 (hg19) VCF-style: chr15-40477752-C-A.
Other names: short protein forms P323T.
Identifiers: ClinVar variation 3483219 (VCV003483219.1).
Genomic context (GRCh38, chr15:40,185,551, plus strand): 5'-TATATATGCTGTCTGAGAACATAAAACTATGGTAATTTTAGTTTTCTTCTTCATCTCCAG[C>A]CTCGTGGCAATACAGCTTCACTGATAGCTGTACCCGCTGTGCTTCCCAGTTTCACTCCAT-3'
Protein context (NP_001202.5, residues 313-333): WNTGRSLEHR[Pro323Thr]RGNTASLIAV